The following is an entry in ClinVar:

ClinVar aggregate classification (germline): Likely benign. Review status: criteria provided, multiple submitters, no conflicts (2 of 4 stars). 2 submissions from 2 submitters: Likely benign (2). Last evaluated 2026-01-28.

Conditions:
ARID1B-Related Disorder. Identifiers: MedGen CN381337.
Inborn genetic diseases. Identifiers: MedGen C0950123, MeSH D030342.

Allele frequency attached by ClinVar (database versions not stated): ExAC 0.00001; TOPMed 0.00001; gnomAD exomes 0.00002.
gnomAD v4.1: 29 of 1,614,208 alleles (0.0018%); highest among the groups gnomAD compares: Non-Finnish European, 0.0024%; no homozygotes.

Submissions (2):

PreventionGenetics, part of Exact Sciences
Classification: Likely benign for ARID1B-related condition. Last evaluated: 2026-01-28. Review status: criteria provided, single submitter. Criteria: ACMG Guidelines, 2015. Collection method: clinical testing. Allele origin: germline.
Comment: This variant is classified as likely benign based on ACMG/AMP sequence variant interpretation guidelines (Richards et al. 2015 PMID: 25741868, with internal and published modifications).

Ambry Genetics
Classification: Likely benign for Inborn genetic diseases. Last evaluated: 2023-05-31. Review status: criteria provided, single submitter. Criteria: Ambry Variant Classification Scheme 2023. Collection method: clinical testing. Allele origin: germline.

NM_001374828.1(ARID1B):c.5563G>A (p.Glu1855Lys)

Gene: ARID1B (AT-rich interaction domain 1B; plus strand). Cytogenetic location: 6q25.3.
Variant type: single nucleotide variant.
Coding change: c.5563G>A on transcript NM_001374828.1 (MANE Select); coding-DNA position 5563, G replaced by A.
Protein change: p.Glu1855Lys; replaces glutamic acid 1855 with lysine.
Molecular consequence: missense variant.
Genome position (GRCh38, 1-based): chr6:157,206,335, G>A. VCF-style: chr6-157206335-G-A. GRCh37 (hg19) VCF-style: chr6-157527469-G-A.
Other names: c.5314G>A, p.Glu1772Lys (NM_001346813.1); c.3064G>A, p.Glu1022Lys (NM_001363725.2); c.5443G>A, p.Glu1815Lys (NM_001371656.1, NM_001374820.1); c.5404G>A, p.Glu1802Lys (NM_017519.3); c.5194G>A, p.Glu1732Lys (NM_020732.3); c.4981G>A, p.Glu1661Lys (NM_175863.2); short protein forms E1802K, E1022K, E1855K, E1661K, E1732K, E1772K, E1815K.
Identifiers: ClinVar variation 2554373 (VCV002554373.3), dbSNP rs746497588, ClinGen allele CA4067860.